The following is an entry in ClinVar:

ClinVar aggregate classification (germline): Uncertain significance (1 of 4 stars; one submission).

Conditions:
Hereditary cancer-predisposing syndrome. Also called: Neoplastic Syndromes, Hereditary; Tumor predisposition; Hereditary neoplastic syndrome; Hereditary Cancer Syndrome. Identifiers: Orphanet 140162, MedGen C0027672, MeSH D009386, MONDO:0015356.

Allele frequency attached by ClinVar (database versions not stated): gnomAD exomes below 0.00001; TOPMed below 0.00001; ExAC 0.00001; gnomAD 0.00001.
gnomAD v4.1: 3 of 1,568,844 alleles (0.00019%); highest among the groups gnomAD compares: South Asian, 0.0011%; no homozygotes.

Submission:

Ambry Genetics
Classification: Uncertain significance for Hereditary cancer-predisposing syndrome. Last evaluated: 2023-01-29. Review status: criteria provided, single submitter. Criteria: Ambry Variant Classification Scheme 2023. Collection method: clinical testing. Allele origin: germline.
Comment: The p.D695N variant (also known as c.2083G>A), located in coding exon 19 of the MRE11A gene, results from a G to A substitution at nucleotide position 2083. The aspartic acid at codon 695 is replaced by asparagine, an amino acid with highly similar properties. This amino acid position is conserved. In addition, this alteration is predicted to be tolerated by in silico analysis. Since supporting evidence is limited at this time, the clinical significance of this alteration remains unclear.

NM_005591.4(MRE11):c.2083G>A (p.Asp695Asn)

Gene: MRE11 (MRE11 double strand break repair nuclease; minus strand). Cytogenetic location: 11q21.
Variant type: single nucleotide variant.
Coding change: c.2083G>A on transcript NM_005591.4 (MANE Select); coding-DNA position 2083, G replaced by A.
Protein change: p.Asp695Asn; replaces aspartic acid 695 with asparagine.
Molecular consequence: missense variant.
Genome position (GRCh38, 1-based): chr11:94,420,169, C>T on the plus strand (G>A on the coding strand, the complement: MRE11 is on the minus strand). VCF-style: chr11-94420169-C-T. GRCh37 (hg19) VCF-style: chr11-94153335-C-T.
Other names: c.2080G>A, p.Asp694Asn (NM_001330347.2); c.1999G>A, p.Asp667Asn (NM_005590.4); short protein forms D695N, D667N, D694N.
Identifiers: ClinVar variation 2451372 (VCV002451372.2), dbSNP rs758957788, ClinGen allele CA6234897.